The following is an entry in ClinVar:

NM_032444.4(SLX4):c.1803G>A (p.Ser601=)

Gene: SLX4 (SLX4 structure-specific endonuclease subunit; minus strand). Cytogenetic location: 16p13.3.
Variant type: single nucleotide variant.
Coding change: c.1803G>A on transcript NM_032444.4 (MANE Select); coding-DNA position 1803, G replaced by A.
Protein change: p.Ser601=; no amino-acid change (serine 601 retained).
Molecular consequence: synonymous variant.
Genome position (GRCh38, 1-based): chr16:3,596,274, C>T on the plus strand (G>A on the coding strand, the complement: SLX4 is on the minus strand). VCF-style: chr16-3596274-C-T. GRCh37 (hg19) VCF-style: chr16-3646275-C-T.
Other names: c.1803G>A (LRG_503t1).
Identifiers: ClinVar variation 262038 (VCV000262038.25), dbSNP rs144892556, ClinGen allele CA7866404.
Genomic context (GRCh38, chr16:3,596,274, plus strand): 5'-CTCCCTCGCCAGGTCCACGAGGTCCTGCAGGGCCTGGTGCTCCCTCTGGCTGGCCGAAGG[C>T]GACGGGCCCCTGGAGCCACAGCCTGCAGTGGGGGTGCCGTGGAGAGCGGGTGACCTTCGC-3'
Protein context (NP_115820.2, residues 591-611): PTAGCGSRGP[Ser601=]PSASQREHQA

ClinVar aggregate classification (germline): Benign/Likely benign. Review status: criteria provided, multiple submitters, no conflicts (2 of 4 stars). 11 submissions from 11 submitters: Benign (6); Likely benign (2). 3 of the submissions do not count toward it. Last evaluated 2026-02-03.

Conditions:
Fanconi anemia complementation group P. Also called: SLX4-Related Fanconi Anemia. Identifiers: Orphanet 84, MedGen C3469542, MONDO:0013499, OMIM 613951.
Hereditary cancer-predisposing syndrome. Also called: Tumor predisposition; Neoplastic Syndromes, Hereditary; Hereditary neoplastic syndrome; Hereditary Cancer Syndrome. Identifiers: Orphanet 140162, MedGen C0027672, MeSH D009386, MONDO:0015356.
Fanconi anemia (FA). Also called: Fanconi's anemia. Identifiers: Orphanet 84, MedGen C0015625, MeSH D005199, MONDO:0019391.

Allele frequency attached by ClinVar (database versions not stated): gnomAD exomes 0.00286; ESP Exome Variant Server 0.00438; gnomAD 0.00627 and 0.00649; TOPMed 0.00651; ExAC 0.00664; 1000 Genomes Project 30x 0.00750; 1000 Genomes Project 0.00799.
gnomAD v4.1: 3,837 of 1,565,056 alleles (0.25%); highest among the groups gnomAD compares: African/African-American, 1.8%; 20 homozygotes.

Submissions (11):

Labcorp Genetics (formerly Invitae), Labcorp
Classification: Benign for Fanconi anemia. Last evaluated: 2026-02-03. Review status: criteria provided, single submitter. Criteria: Invitae Variant Classification Sherloc (09022015). Collection method: clinical testing. Allele origin: germline.

Molecular Diagnostics Laboratory, Catalan Institute of Oncology
Classification: Benign for Hereditary cancer-predisposing syndrome. Last evaluated: 2025-07-07. Review status: criteria provided, single submitter. Criteria: ACMG Guidelines, 2015. Collection method: clinical testing. Allele origin: germline.
Comment: BA1, BP4, BP7 c.1803G>A, located in exon 8 of the SLX4 gene, is predicted to result in no splicing alteration (according to SpliceAI) and no amino acid change, p.(Ser601=)(BP4, BP7).The variant allele was found in 303/17266 alleles (6 homozygous), with a filtering allele frequency of 1.5% at 99% confidence, within the African population in the gnomAD v2.1.1 database (non-cancer data set)(BA1). To our knowledge, functional studies have not been reported for this variant. In addition, the variant was also identified in the ClinVar database (4x likely benign, 6x benign) but it has not been identified in the LOVD database. Based on currently available information, c.1803G>A is classified as a benign variant according to ACMG guidelines.

KCCC/NGS Laboratory, Kuwait Cancer Control Center
Classification: Benign for Fanconi anemia complementation group P. Last evaluated: 2023-07-07. Review status: criteria provided, single submitter. Criteria: ACMG Guidelines, 2015. Collection method: clinical testing. Allele origin: germline. Affected: yes.

GeneDx
Classification: Likely benign. Last evaluated: 2021-10-26. Review status: criteria provided, single submitter. Criteria: GeneDx Variant Classification Process June 2021. Collection method: clinical testing. Allele origin: germline. Affected: yes.

Genetic Services Laboratory, University of Chicago
Classification: Benign. Last evaluated: 2021-03-05. Review status: criteria provided, single submitter. Criteria: ACMG Guidelines, 2015. Collection method: clinical testing. Allele origin: germline. Affected: no.

Illumina Laboratory Services, Illumina
Classification: Benign for Fanconi anemia complementation group P. Last evaluated: 2018-01-12. Review status: criteria provided, single submitter. Criteria: ICSL Variant Classification Criteria 13 December 2019. Collection method: clinical testing. Allele origin: germline.
Comment: This variant was observed in the ICSL laboratory as part of a predisposition screen in an ostensibly healthy population. It had not been previously curated by ICSL or reported in the Human Gene Mutation Database (HGMD: prior to June 1st, 2018), and was therefore a candidate for classification through an automated scoring system. Utilizing variant allele frequency, disease prevalence and penetrance estimates, and inheritance mode, an automated score was calculated to assess if this variant is too frequent to cause the disease. Based on the score and internal cut-off values, a variant classified as benign is not then subjected to further curation. The score for this variant resulted in a classification of benign for this disease.

Breakthrough Genomics
Classification: Likely benign. Review status: criteria provided, single submitter. Criteria: ACMG Guidelines, 2015. Collection method: not provided. Allele origin: germline. Inheritance: Autosomal recessive inheritance. Affected: yes.

PreventionGenetics, part of Exact Sciences
Classification: Benign. Review status: criteria provided, single submitter. Criteria: ACMG Guidelines, 2015. Collection method: clinical testing. Allele origin: germline.

Leiden Open Variation Database
Classification: Likely benign. Last evaluated: 2012-08-31. Review status: no assertion criteria provided. Collection method: curation. Allele origin: germline. Affected: yes. Not counted in ClinVar's aggregate classification.
Comment: Curator: Arleen D. Auerbach. Submitter to LOVD: Janine Bakker.

Genome Diagnostics Laboratory, Amsterdam University Medical Center
Classification: Benign. Review status: no assertion criteria provided. Collection method: clinical testing. Allele origin: germline. Affected: yes. Study: VKGL Data-share Consensus. Not counted in ClinVar's aggregate classification.

Genome Diagnostics Laboratory, University Medical Center Utrecht
Classification: Likely benign. Review status: no assertion criteria provided. Collection method: clinical testing. Allele origin: germline. Affected: yes. Study: VKGL Data-share Consensus. Not counted in ClinVar's aggregate classification.

Literature cited by the submitters: PubMed 22911665 (cited by Leiden Open Variation Database).